The following is an entry in ClinVar:

ClinVar aggregate classification (germline): Benign/Likely benign. Review status: criteria provided, multiple submitters, no conflicts (2 of 4 stars). 2 submissions from 2 submitters: Benign (1); Likely benign (1). Last evaluated 2024-04-03.

Conditions:
Hereditary cancer-predisposing syndrome. Also called: Hereditary Cancer Syndrome; Hereditary neoplastic syndrome; Neoplastic Syndromes, Hereditary; Tumor predisposition. Identifiers: Orphanet 140162, MedGen C0027672, MeSH D009386, MONDO:0015356.
Familial adenomatous polyposis 1 (FAP1). Also called: FAMILIAL ADENOMATOUS POLYPOSIS 1, ATTENUATED; POLYPOSIS, ADENOMATOUS INTESTINAL. Identifiers: MedGen C2713442, MONDO:0021056, OMIM 175100. Disease mechanism: loss of function.

Submissions (2):

Myriad Genetics, Inc.
Classification: Benign for Familial adenomatous polyposis 1. Last evaluated: 2024-04-03. Review status: criteria provided, single submitter. Criteria: Myriad Autosomal Dominant, Autosomal Recessive and X-Linked Classification Criteria (2023). Collection method: clinical testing. Allele origin: unknown.
Comment: This variant is considered benign. This variant is a silent/synonymous amino acid change and it is not expected to impact splicing.

Ambry Genetics
Classification: Likely benign for Hereditary cancer-predisposing syndrome. Last evaluated: 2019-05-21. Review status: criteria provided, single submitter. Criteria: Ambry Variant Classification Scheme 2023. Collection method: clinical testing. Allele origin: germline.

NM_000038.6(APC):c.5886C>T (p.Cys1962=)

Gene: APC (APC regulator of Wnt signaling pathway; plus strand). Cytogenetic location: 5q22.2.
Variant type: single nucleotide variant.
Coding change: c.5886C>T on transcript NM_000038.6 (MANE Select); coding-DNA position 5886, C replaced by T.
Protein change: p.Cys1962=; no amino-acid change (cysteine 1962 retained).
Molecular consequence: synonymous variant. On other transcripts: non-coding transcript variant (2).
Genome position (GRCh38, 1-based): chr5:112,841,480, C>T. VCF-style: chr5-112841480-C-T. GRCh37 (hg19) VCF-style: chr5-112177177-C-T.
Other names: c.5886C>T, p.Cys1962= (NM_001127510.3, NM_001354895.2, NM_001407450.1); c.5832C>T, p.Cys1944= (NM_001127511.3); c.5940C>T, p.Cys1980= (NM_001354896.2, NM_001407447.1, NM_001407448.1 and 1 more transcripts); c.5916C>T, p.Cys1972= (NM_001354897.2); c.5811C>T, p.Cys1937= (NM_001354898.2); c.5802C>T, p.Cys1934= (NM_001354899.2); c.5763C>T, p.Cys1921= (NM_001354900.2); c.5709C>T, p.Cys1903= (NM_001354901.2, NM_001407453.1); and 11 more.
Identifiers: ClinVar variation 1750282 (VCV001750282.3), dbSNP rs1766078305, ClinGen allele CA446209909.